The following is an entry in ClinVar:

NM_178335.3(CCDC50):c.1221A>C (p.Arg407Ser)

Gene: CCDC50 (coiled-coil domain containing 50; plus strand). Cytogenetic location: 3q28.
Variant type: single nucleotide variant.
Coding change: c.1221A>C on transcript NM_178335.3 (MANE Select); coding-DNA position 1221, A replaced by C.
Protein change: p.Arg407Ser; replaces arginine 407 with serine.
Molecular consequence: missense variant.
Genome position (GRCh38, 1-based): chr3:191,380,911, A>C. VCF-style: chr3-191380911-A-C. GRCh37 (hg19) VCF-style: chr3-191098700-A-C.
Other names: c.693A>C, p.Arg231Ser (NM_174908.4); short protein forms R407S, R231S.
Identifiers: ClinVar variation 179475 (VCV000179475.5), dbSNP rs727504888, ClinGen allele CA184496.
Genomic context (GRCh38, chr3:191,380,911, plus strand): 5'-TGAAGAAAAGAAAGCTTACAAAAAAGCCAAGGAGCGGGAGAAATCATCTTTGGACAAAAG[A>C]AAGCAAGACCCCGAGTGGAAGGTAGAGTGTGTTTTGTTTGTTTTCTAATTAGAAATAAAA-3'
Protein context (NP_848018.1, residues 397-417): KEREKSSLDK[Arg407Ser]KQDPEWKPKT

ClinVar aggregate classification (germline): Uncertain significance. Review status: criteria provided, multiple submitters, no conflicts (2 of 4 stars). 2 submissions from 2 submitters: Uncertain significance (2). Last evaluated 2021-07-05.

Allele frequency attached by ClinVar (database versions not stated): gnomAD exomes below 0.00001.
gnomAD v4.1: 1 of 1,612,746 alleles (0.000062%); highest among the groups gnomAD compares: Non-Finnish European, 0.000085%; no homozygotes.

Submissions (2):

Blueprint Genetics
Classification: Uncertain significance. Last evaluated: 2021-07-05. Review status: criteria provided, single submitter. Criteria: ACMG Guidelines, 2015. Collection method: clinical testing. Allele origin: germline.

Laboratory for Molecular Medicine, Mass General Brigham Personalized Medicine
Classification: Uncertain significance. Last evaluated: 2014-05-13. Review status: criteria provided, single submitter. Criteria: LMM Criteria. Collection method: clinical testing. Allele origin: germline. Observed: 2 variant alleles.
Comment: The Arg407Ser variant in CCDC50 has not been reported in individuals with hearin g loss in other families or in large population studies. Computational predictio n tools and conservation analyses do not provide strong support for or against a n impact to the protein. In summary, additional information is needed to determi ne the clinical significance of this variant.